The following is an entry in ClinVar:

NM_000868.4(HTR2C):c.90A>G (p.Val30=)

Gene: HTR2C (5-hydroxytryptamine receptor 2C; plus strand). Cytogenetic location: Xq23.
Variant type: single nucleotide variant.
Coding change: c.90A>G on transcript NM_000868.4 (MANE Select); coding-DNA position 90, A replaced by G.
Protein change: p.Val30=; no amino-acid change (valine 30 retained).
Molecular consequence: synonymous variant.
Genome position (GRCh38, 1-based): chrX:114,731,348, A>G. VCF-style: chrX-114731348-A-G. GRCh37 (hg19) VCF-style: chrX-113965757-A-G.
Other names: c.90A>G, p.Val30= (NM_001256760.3, NM_001256761.3).
Identifiers: ClinVar variation 3355239 (VCV003355239.1).
Genomic context (GRCh38, chrX:114,731,348, plus strand): 5'-TTTCAGTGTGCACCTAATTGGCCTATTGGTTTGGCAATCTGATATTTCTGTGAGCCCAGT[A>G]GCAGCTATAGTAACTGACATTTTCAATACCTCCGATGGTGGACGCTTCAAATTCCCAGAC-3'
Protein context (NP_000859.2, residues 20-40): VWQSDISVSP[Val30=]AAIVTDIFNT

ClinVar aggregate classification (germline): Likely benign (0 of 4 stars; one submission).

Conditions:
HTR2C-related disorder. Also called: HTR2C-related condition.

gnomAD v4.1: 1 of 1,204,200 alleles (0.000083%); highest among the groups gnomAD compares: African/African-American, 0.0018%; no homozygotes.

Submission:

PreventionGenetics, part of Exact Sciences
Classification: Likely benign for HTR2C-related condition. Last evaluated: 2022-07-11. Review status: no assertion criteria provided. Collection method: clinical testing. Allele origin: germline.
Comment: This variant is classified as likely benign based on ACMG/AMP sequence variant interpretation guidelines (Richards et al. 2015 PMID: 25741868, with internal and published modifications).